The following is an entry in ClinVar:

NM_001174089.2(SLC4A11):c.204del (p.Phe68fs)

Gene: SLC4A11 (solute carrier family 4 member 11; minus strand). Cytogenetic location: 20p13.
Variant type: Deletion.
Coding change: c.204del on transcript NM_001174089.2 (MANE Select); coding-DNA position 204, one base deleted (T; older notation c.204delT).
Protein change: p.Phe68fs; shifts the reading frame from phenylalanine 68.
Molecular consequence: frameshift variant. On other transcripts: non-coding transcript variant (1).
Genome position (GRCh38, 1-based): chr20:3,234,779, A deleted on the plus strand (T on the coding strand, the reverse complement: SLC4A11 is on the minus strand); the first of 7 consecutive A bases (chr20:3,234,779-3,234,785); deleting any one gives the same sequence. VCF-style (leftmost placement, unchanged base first): chr20-3234778-CA-C. GRCh37 (hg19) VCF-style: chr20-3215424-CA-C.
Other names: c.333del, p.Phe111fs (NM_001174090.2); c.204del, p.Phe68fs (NM_001363745.2); c.252del, p.Phe84fs (NM_032034.4); c.252delT (NM_032034.3); short protein forms F111fs, F68fs, F84fs.
Identifiers: ClinVar variation 1071257 (VCV001071257.10), dbSNP rs2067914706, ClinGen allele CA509412364.

ClinVar aggregate classification (germline): Pathogenic/Likely pathogenic. Review status: criteria provided, multiple submitters, no conflicts (2 of 4 stars). 2 submissions from 2 submitters: Pathogenic (1); Likely pathogenic (1). Last evaluated 2024-10-01.

Conditions:
Corneal dystrophy-perceptive deafness syndrome (CDPD). Also called: CORNEAL DYSTROPHY AND SENSORINEURAL DEAFNESS; HARBOYAN SYNDROME. Identifiers: Orphanet 1490, MedGen C1857572, MONDO:0009015, OMIM 217400.

Submissions (2):

Natera, Inc.
Classification: Likely pathogenic for Corneal dystrophy-perceptive deafness syndrome. Last evaluated: 2024-10-01. Review status: criteria provided, single submitter. Criteria: Natera Variant Classification Schema (03/2026). Collection method: clinical testing. Allele origin: germline.
Comment: The c.252delT variant in SLC4A11 is a frameshift variant predicted to shift the reading frame beginning at codon 84 and leads to a stop codon 32 codons downstream. This variant is expected to result in nonsense mediated decay, truncation, or a dysfunctional protein product. This variant is rare in the general population with a frequency below the threshold expected for the associated phenotype(s). Given the available evidence, this variant is classified as Likely Pathogenic.

Labcorp Genetics (formerly Invitae), Labcorp
Classification: Pathogenic. Last evaluated: 2023-10-04. Review status: criteria provided, single submitter. Criteria: Invitae Variant Classification Sherloc (09022015). Collection method: clinical testing. Allele origin: germline.
Comment: This sequence change creates a premature translational stop signal (p.Phe84Leufs*32) in the SLC4A11 gene. It is expected to result in an absent or disrupted protein product. Loss-of-function variants in SLC4A11 are known to be pathogenic (PMID: 17220209, 17679935). This variant is not present in population databases (gnomAD no frequency). This premature translational stop signal has been observed in individual(s) with clinical features of congenital hereditary endothelial dystrophy (PMID: 16825429, 19337156). ClinVar contains an entry for this variant (Variation ID: 1071257). For these reasons, this variant has been classified as Pathogenic.

Literature cited by the submitters: PubMed 17220209 (cited by Labcorp Genetics (formerly Invitae), Labcorp); PubMed 17679935 (cited by Labcorp Genetics (formerly Invitae), Labcorp); PubMed 16825429 (cited by Labcorp Genetics (formerly Invitae), Labcorp); PubMed 19337156 (cited by Labcorp Genetics (formerly Invitae), Labcorp).